The following is an entry in ClinVar:

NM_032796.4(SYAP1):c.77C>T (p.Pro26Leu)

Gene: SYAP1 (synapse associated protein 1; plus strand). Cytogenetic location: Xp22.2.
Variant type: single nucleotide variant.
Coding change: c.77C>T on transcript NM_032796.4 (MANE Select); coding-DNA position 77, C replaced by T.
Protein change: p.Pro26Leu; replaces proline 26 with leucine.
Molecular consequence: missense variant. On other transcripts: non-coding transcript variant (1).
Genome position (GRCh38, 1-based): chrX:16,719,801, C>T. VCF-style: chrX-16719801-C-T. GRCh37 (hg19) VCF-style: chrX-16737924-C-T.
Other names: short protein forms P26L.
Identifiers: ClinVar variation 2660068 (VCV002660068.24), dbSNP rs11553381, ClinGen allele CA10357198.
Genomic context (GRCh38, chrX:16,719,801, plus strand): 5'-GCAGTTGGTTGGGCTTGCAGCAGCCGGTGGCAGGCGGTGGGCAGCCCAATGGAGATGCTC[C>T]ACCCGAGCAGCCGTCCGAGACGGTGGCTGAGTCTGCGGAGGAGGAGCTGCAGCAAGCGGG-3'
Protein context (NP_116185.2, residues 16-36): AGGGQPNGDA[Pro26Leu]PEQPSETVAE

ClinVar aggregate classification (germline): Likely benign (1 of 4 stars; one submission).

Allele frequency attached by ClinVar (database versions not stated): ESP Exome Variant Server 0.00019; TOPMed 0.00029; gnomAD 0.00037; gnomAD exomes 0.00039; ExAC 0.00066; 1000 Genomes Project 0.00079; 1000 Genomes Project 30x 0.00083.
gnomAD v4.1: 460 of 1,198,583 alleles (0.038%); highest among the groups gnomAD compares: East Asian, 0.6%; 6 homozygotes.

Submission:

CeGaT Center for Human Genetics Tuebingen
Classification: Likely benign. Last evaluated: 2023-04-01. Review status: criteria provided, single submitter. Criteria: CeGaT Center For Human Genetics Tuebingen Variant Classification Criteria Version 2. Collection method: clinical testing. Allele origin: germline. Affected: yes. Observed: 1 variant allele.
Comment: SYAP1: BP4, BS2